The following is an entry in ClinVar:

ClinVar aggregate classification (germline): Uncertain significance (1 of 4 stars; one submission).

Submission:

Ambry Genetics
Classification: Uncertain significance. Last evaluated: 2025-01-22. Review status: criteria provided, single submitter. Criteria: Ambry Variant Classification Scheme 2023. Collection method: clinical testing. Allele origin: germline.
Comment: The p.P948S variant (also known as c.2842C>T), located in coding exon 11 of the WNK2 gene, results from a C to T substitution at nucleotide position 2842. The proline at codon 948 is replaced by serine, an amino acid with similar properties. This amino acid position is conserved. In addition, this alteration is predicted to be tolerated by in silico analysis. Based on the available evidence, the clinical significance of this variant remains unclear.

NM_006648.4(WNK2):c.2842C>T (p.Pro948Ser)

Gene: WNK2 (WNK lysine deficient protein kinase 2; plus strand). Cytogenetic location: 9q22.31.
Variant type: single nucleotide variant.
Coding change: c.2842C>T on transcript NM_006648.4 (MANE Select); coding-DNA position 2842, C replaced by T.
Protein change: p.Pro948Ser; replaces proline 948 with serine.
Molecular consequence: missense variant.
Genome position (GRCh38, 1-based): chr9:93,259,390, C>T. VCF-style: chr9-93259390-C-T. GRCh37 (hg19) VCF-style: chr9-96021672-C-T.
Other names: c.2842C>T, p.Pro948Ser (NM_001282394.3); short protein forms P948S.
Identifiers: ClinVar variation 3816898 (VCV003816898.1).